The following is an entry in ClinVar:

NM_182914.3(SYNE2):c.18380G>A (p.Arg6127Gln)

Gene: SYNE2 (spectrin repeat containing nuclear envelope protein 2; plus strand). Cytogenetic location: 14q23.2.
Variant type: single nucleotide variant.
Coding change: c.18380G>A on transcript NM_182914.3 (MANE Select); coding-DNA position 18380, G replaced by A.
Protein change: p.Arg6127Gln; replaces arginine 6127 with glutamine.
Molecular consequence: missense variant.
Genome position (GRCh38, 1-based): chr14:64,208,936, G>A. VCF-style: chr14-64208936-G-A. GRCh37 (hg19) VCF-style: chr14-64675654-G-A.
Other names: c.18380G>A, p.Arg6127Gln (NM_015180.6); short protein forms R6127Q.
Identifiers: ClinVar variation 2644308 (VCV002644308.25), dbSNP rs763523378, ClinGen allele CA7224047.
Genomic context (GRCh38, chr14:64,208,936, plus strand): 5'-AGCAGACCACCAGGAGCCTGGACAGACGCTGGAGGAACATTTGTGCCATGTCCATGGAGC[G>A]GCGCATGAAGTAAGAACTAAGCTCCCCCAAATGCCTTCAGCGTGGTCAGCCGAACTCAAT-3'
Protein context (NP_878918.2, residues 6117-6137): WRNICAMSME[Arg6127Gln]RMKIEETWRL

ClinVar aggregate classification (germline): Uncertain significance. Review status: criteria provided, multiple submitters, no conflicts (2 of 4 stars). 2 submissions from 2 submitters: Uncertain significance (2). Last evaluated 2025-03-26.

Conditions:
Emery-Dreifuss muscular dystrophy 5, autosomal dominant (EDMD5). Also called: EMERY-DREIFUSS MUSCULAR DYSTROPHY 5. Identifiers: Orphanet 261, MedGen C2751805, MONDO:0013072, OMIM 612999.

Allele frequency attached by ClinVar (database versions not stated): ExAC 0.00002; gnomAD exomes 0.00003.
gnomAD v4.1: 37 of 1,613,938 alleles (0.0023%); highest among the groups gnomAD compares: Non-Finnish European, 0.003%; no homozygotes.

Submissions (2):

Labcorp Genetics (formerly Invitae), Labcorp
Classification: Uncertain significance for Emery-Dreifuss muscular dystrophy 5, autosomal dominant. Last evaluated: 2025-03-26. Review status: criteria provided, single submitter. Criteria: Invitae Variant Classification Sherloc (09022015). Collection method: clinical testing. Allele origin: germline.
Comment: This sequence change replaces arginine, which is basic and polar, with glutamine, which is neutral and polar, at codon 6127 of the SYNE2 protein (p.Arg6127Gln). This variant is present in population databases (rs763523378, gnomAD 0.006%). This variant has not been reported in the literature in individuals affected with SYNE2-related conditions. ClinVar contains an entry for this variant (Variation ID: 2644308). An algorithm developed to predict the effect of missense changes on protein structure and function (PolyPhen-2) suggests that this variant is likely to be disruptive. In summary, the available evidence is currently insufficient to determine the role of this variant in disease. Therefore, it has been classified as a Variant of Uncertain Significance.

CeGaT Center for Human Genetics Tuebingen
Classification: Uncertain significance. Last evaluated: 2023-05-01. Review status: criteria provided, single submitter. Criteria: CeGaT Center For Human Genetics Tuebingen Variant Classification Criteria Version 2. Collection method: clinical testing. Allele origin: germline. Affected: yes. Observed: 1 variant allele.
Comment: SYNE2: PP3